The following is an entry in ClinVar:

ClinVar aggregate classification (germline): Uncertain significance (1 of 4 stars; one submission).

Conditions:
Hereditary spastic paraplegia 4. Also called: Spastic paraplegia 4, autosomal dominant; Spastic Paraplegia 4; Familial spastic paraplegia autosomal dominant 2. Identifiers: Orphanet 100985, MedGen C1866855, MONDO:0008438, OMIM 182601.

Submission:

Labcorp Genetics (formerly Invitae), Labcorp
Classification: Uncertain significance for Hereditary spastic paraplegia 4. Last evaluated: 2023-08-10. Review status: criteria provided, single submitter. Criteria: Invitae Variant Classification Sherloc (09022015). Collection method: clinical testing. Allele origin: germline.
Comment: In summary, the available evidence is currently insufficient to determine the role of this variant in disease. Therefore, it has been classified as a Variant of Uncertain Significance. Advanced modeling of protein sequence and biophysical properties (such as structural, functional, and spatial information, amino acid conservation, physicochemical variation, residue mobility, and thermodynamic stability) performed at Invitae indicates that this missense variant is not expected to disrupt SPAST protein function. This variant has not been reported in the literature in individuals affected with SPAST-related conditions. This variant is not present in population databases (gnomAD no frequency). This sequence change replaces leucine, which is neutral and non-polar, with glutamine, which is neutral and polar, at codon 521 of the SPAST protein (p.Leu521Gln).

NM_014946.4(SPAST):c.1562T>A (p.Leu521Gln)

Gene: SPAST (spastin; plus strand). Cytogenetic location: 2p22.3.
Variant type: single nucleotide variant.
Coding change: c.1562T>A on transcript NM_014946.4 (MANE Select); coding-DNA position 1562, T replaced by A.
Protein change: p.Leu521Gln; replaces leucine 521 with glutamine.
Molecular consequence: missense variant.
Genome position (GRCh38, 1-based): chr2:32,143,361, T>A. VCF-style: chr2-32143361-T-A. GRCh37 (hg19) VCF-style: chr2-32368430-T-A.
Other names: c.1559T>A, p.Leu520Gln (NM_001363823.2); c.1463T>A, p.Leu488Gln (NM_001363875.2); c.1466T>A, p.Leu489Gln (NM_001377959.1, NM_199436.2); short protein forms L488Q, L489Q, L520Q, L521Q.
Identifiers: ClinVar variation 2751646 (VCV002751646.3), dbSNP rs2465903117, ClinGen allele CA346503700.